The following is an entry in ClinVar:

NM_023936.2(MRPS34):c.424_428delinsTCATGTACCATGA (p.Val142fs)

Gene: MRPS34 (mitochondrial ribosomal protein S34; minus strand). Cytogenetic location: 16p13.3.
Variant type: Indel.
Coding change: c.424_428delinsTCATGTACCATGA on transcript NM_023936.2 (MANE Select); coding-DNA positions 424 to 428, GTGCC replaced by TCATGTACCATGA.
Protein change: p.Val142fs; shifts the reading frame from valine 142.
Molecular consequence: frameshift variant.
Genome position (GRCh38, 1-based): chr16:1,772,450-1,772,454, GGCAC replaced by TCATGGTACATGA on the plus strand (GTGCC replaced by TCATGTACCATGA on the coding strand, the reverse complement: MRPS34 is on the minus strand). VCF-style: chr16-1772450-GGCAC-TCATGGTACATGA. GRCh37 (hg19) VCF-style: chr16-1822451-GGCAC-TCATGGTACATGA.
Other names: c.445_449delinsTCATGTACCATGA, p.Val149fs (NM_001300900.2); short protein forms V142fs, V149fs.
Identifiers: ClinVar variation 4850023 (VCV004850023.1).

ClinVar aggregate classification (germline): Likely pathogenic (1 of 4 stars; one submission).

Conditions:
Combined oxidative phosphorylation deficiency 32 (COXPD32). Identifiers: MedGen C4540029, MONDO:0054654, OMIM 617664.

Submission:

Variantyx, Inc.
Classification: Likely pathogenic for Combined oxidative phosphorylation deficiency 32. Last evaluated: 2025-11-05. Review status: criteria provided, single submitter. Criteria: Variantyx Assertion Criteria 2022. Collection method: clinical testing. Allele origin: germline. Inheritance: Autosomal recessive inheritance. Affected: no.
Comment: This is a frameshift variant in the MRPS34 gene (OMIM: 611994). Pathogenic variants in this gene have been associated with autosomal recessive combined oxidative phosphorylation deficiency 32. This variant introduces a premature termination codon in exon 3 out of 3 and is expected to result in loss of function, which is a known disease mechanism for MRPS34 in this disorder (PMID: 28777931) (PVS1). This variant has a 0.0099% maximum allele frequency in non-founder control populations (PM2, and it has not been reported in individuals with MRPS34-related disorders in the databases available for review. Based on the current evidence, this variant is classified as likely pathogenic for autosomal recessive combined oxidative phosphorylation deficiency 32.

Literature cited by the submitters: PubMed 28777931.